The following is an entry in ClinVar:

NM_004991.4(MECOM):c.3446A>G (p.His1149Arg)

Gene: MECOM (MDS1 and EVI1 complex locus; minus strand). Cytogenetic location: 3q26.2.
Variant type: single nucleotide variant.
Coding change: c.3446A>G on transcript NM_004991.4 (MANE Select); coding-DNA position 3446, A replaced by G.
Protein change: p.His1149Arg; replaces histidine 1149 with arginine.
Molecular consequence: missense variant.
Genome position (GRCh38, 1-based): chr3:169,089,139, T>C on the plus strand (A>G on the coding strand, the complement: MECOM is on the minus strand). VCF-style: chr3-169089139-T-C. GRCh37 (hg19) VCF-style: chr3-168806927-T-C.
Other names: c.3446A>G (NM_004991.3); c.3077A>G, p.His1026Arg (NM_001105077.4); c.2882A>G, p.His961Arg (NM_001105078.4, NM_001205194.2, NM_001366469.2 and 1 more transcripts); c.2858A>G, p.His953Arg (NM_001163999.2, NM_001366470.2); c.2855A>G, p.His952Arg (NM_001164000.2, NM_001366471.2, NM_001366472.2); c.3419A>G, p.His1140Arg (NM_001366466.2); c.2885A>G, p.His962Arg (NM_001366467.2, NM_001366468.2); c.2447A>G, p.His816Arg (NM_001366473.2); and 1 more; short protein forms H1026R, H1140R, H1149R, H628R, H816R, H952R, H953R, H961R.
Identifiers: ClinVar variation 1338063 (VCV001338063.11), dbSNP rs779967808, ClinGen allele CA2695894.

ClinVar aggregate classification (germline): Conflicting classifications of pathogenicity. Review status: criteria provided, conflicting classifications (1 of 4 stars). 3 submissions from 3 submitters: Uncertain significance (2); Likely benign (1). Last evaluated 2024-12-15.

Conditions:
Inborn genetic diseases. Identifiers: MedGen C0950123, MeSH D030342.

Allele frequency attached by ClinVar (database versions not stated): gnomAD 0.00001 and 0.00002; gnomAD exomes 0.00002 and 0.00004; ExAC 0.00005.
gnomAD v4.1: 33 of 1,598,202 alleles (0.0021%); highest among the groups gnomAD compares: Middle Eastern, 0.32%; 2 homozygotes.

Submissions (3):

Ambry Genetics
Classification: Uncertain significance for Inborn genetic diseases. Last evaluated: 2024-12-15. Review status: criteria provided, single submitter. Criteria: Ambry Variant Classification Scheme 2023. Collection method: clinical testing. Allele origin: germline.
Comment: The p.H1149R variant (also known as c.3446A>G), located in coding exon 16 of the MECOM gene, results from an A to G substitution at nucleotide position 3446. The histidine at codon 1149 is replaced by arginine, an amino acid with highly similar properties. This amino acid position is conserved. In addition, the in silico prediction for this alteration is inconclusive. Based on the available evidence, the clinical significance of this variant remains unclear.

Labcorp Genetics (formerly Invitae), Labcorp
Classification: Uncertain significance. Last evaluated: 2023-10-20. Review status: criteria provided, single submitter. Criteria: Invitae Variant Classification Sherloc (09022015). Collection method: clinical testing. Allele origin: germline.
Comment: This sequence change replaces histidine, which is basic and polar, with arginine, which is basic and polar, at codon 961 of the MECOM protein (p.His961Arg). This variant is present in population databases (rs779967808, gnomAD 0.02%). This variant has not been reported in the literature in individuals affected with MECOM-related conditions. ClinVar contains an entry for this variant (Variation ID: 1338063). An algorithm developed to predict the effect of missense changes on protein structure and function (PolyPhen-2) suggests that this variant is likely to be disruptive. In summary, the available evidence is currently insufficient to determine the role of this variant in disease. Therefore, it has been classified as a Variant of Uncertain Significance.

Genetic Services Laboratory, University of Chicago
Classification: Likely benign. Last evaluated: 2021-08-17. Review status: criteria provided, single submitter. Criteria: ACMG Guidelines, 2015. Collection method: clinical testing. Allele origin: germline. Affected: no.